The following is an entry in ClinVar:

ClinVar aggregate classification (germline): Pathogenic (1 of 4 stars; one submission).

Conditions:
De Lange syndrome (CDLS). Also called: Cornelia de Lange syndrome; CDL. Identifiers: Orphanet 199, MedGen C0270972, MONDO:0016033.

Submission:

Center of Genomic medicine, Geneva, University Hospital of Geneva
Classification: Pathogenic for De Lange syndrome. Last evaluated: 2018-06-21. Review status: criteria provided, single submitter. Criteria: ACMG Guidelines, 2015. Collection method: clinical testing. Allele origin: unknown. Affected: yes.

NM_133433.4(NIPBL):c.3439C>T (p.Arg1147Ter)

Gene: NIPBL (NIPBL cohesin loading factor; plus strand). Cytogenetic location: 5p13.2.
Variant type: single nucleotide variant.
Coding change: c.3439C>T on transcript NM_133433.4 (MANE Select); coding-DNA position 3439, C replaced by T.
Protein change: p.Arg1147Ter; replaces arginine 1147 with a stop codon.
Molecular consequence: nonsense.
Genome position (GRCh38, 1-based): chr5:37,000,507, C>T. VCF-style: chr5-37000507-C-T. GRCh37 (hg19) VCF-style: chr5-37000609-C-T.
Other names: c.3439C>T, p.Arg1147Ter (NM_015384.5); short protein forms R1147*.
Identifiers: ClinVar variation 627581 (VCV000627581.2), dbSNP rs866740147, ClinGen allele CA117056078.
Genomic context (GRCh38, chr5:37,000,507, plus strand): 5'-GATCATAGGAGAAGTGGCCACTCTCATGAAGGAAGAAGGAGTTCAGGTGGTGGTCGTTAT[C>T]GAAACCGAAGTCCGTCAGATTCTGACATGGAAGATTATTCTCCTCCTCCCAGCCTTAGTG-3'